The following is an entry in ClinVar:

ClinVar aggregate classification (germline): Uncertain significance (1 of 4 stars; one submission).

gnomAD v4.1: 1 of 1,607,300 alleles (0.000062%); highest among the groups gnomAD compares: Non-Finnish European, 0.000085%; no homozygotes.

Submission:

Labcorp Genetics (formerly Invitae), Labcorp
Classification: Uncertain significance. Last evaluated: 2022-03-07. Review status: criteria provided, single submitter. Criteria: Invitae Variant Classification Sherloc (09022015). Collection method: clinical testing. Allele origin: germline.
Comment: This sequence change falls in intron 8 of the ARHGEF1 gene. It does not directly change the encoded amino acid sequence of the ARHGEF1 protein. It affects a nucleotide within the consensus splice site. This variant is not present in population databases (gnomAD no frequency). This variant has not been reported in the literature in individuals affected with ARHGEF1-related conditions. Variants that disrupt the consensus splice site are a relatively common cause of aberrant splicing (PMID: 17576681, 9536098). Algorithms developed to predict the effect of sequence changes on RNA splicing suggest that this variant is not likely to affect RNA splicing. In summary, the available evidence is currently insufficient to determine the role of this variant in disease. Therefore, it has been classified as a Variant of Uncertain Significance.

Literature cited by the submitters: PubMed 17576681; PubMed 9536098.

NM_004706.4(ARHGEF1):c.644+6G>A

Gene: ARHGEF1 (Rho guanine nucleotide exchange factor 1; plus strand). Cytogenetic location: 19q13.2.
Variant type: single nucleotide variant.
Coding change: c.644+6G>A on transcript NM_004706.4 (MANE Select); 6 bases into the intron after coding-DNA position 644, G replaced by A.
Molecular consequence: intron variant.
Genome position (GRCh38, 1-based): chr19:41,893,309, G>A. VCF-style: chr19-41893309-G-A. GRCh37 (hg19) VCF-style: chr19-42397380-G-A.
Other names: c.644+6G>A (NM_001396003.1, NM_001396000.1, NM_001396006.1); c.545+6G>A (NM_001396002.1, NM_198977.2, NM_001396004.1); c.689+6G>A (NM_199002.2).
Identifiers: ClinVar variation 2074257 (VCV002074257.4), dbSNP rs782612208, ClinGen allele CA2580097304.